The following is an entry in ClinVar:

NM_012210.4(TRIM32):c.432G>A (p.Glu144=)

Genes: ASTN2 (astrotactin 2; minus strand), TRIM32 (tripartite motif containing 32; plus strand). Cytogenetic location: 9q33.1.
Variant type: single nucleotide variant.
Coding change: c.432G>A on transcript NM_012210.4 (MANE Select); coding-DNA position 432, G replaced by A.
Protein change: p.Glu144=; no amino-acid change (glutamic acid 144 retained).
Molecular consequence: synonymous variant. On other transcripts: intron variant (3).
Genome position (GRCh38, 1-based): chr9:116,698,174, G>A. VCF-style: chr9-116698174-G-A. GRCh37 (hg19) VCF-style: chr9-119460453-G-A.
Other names: c.432G>A, p.Glu144= (NM_001099679.2, NM_001379048.1, NM_001379049.1 and 1 more transcripts); c.2653+27597C>T (NM_014010.5); c.2794+27597C>T (NM_001365069.1); c.2806+27597C>T (NM_001365068.1).
Identifiers: ClinVar variation 4994148 (VCV004994148.1).

ClinVar aggregate classification (germline): Likely benign (1 of 4 stars; one submission).

Conditions:
TRIM32-related disorder. Also called: TRIM32-related condition.

gnomAD v4.1: 1 of 1,614,190 alleles (0.000062%); highest among the groups gnomAD compares: South Asian, 0.0011%; no homozygotes.

Submission:

PreventionGenetics, part of Exact Sciences
Classification: Likely benign for TRIM32-related condition. Last evaluated: 2026-02-09. Review status: criteria provided, single submitter. Criteria: ACMG Guidelines, 2015. Collection method: clinical testing. Allele origin: germline.
Comment: This variant is classified as likely benign based on ACMG/AMP sequence variant interpretation guidelines (Richards et al. 2015 PMID: 25741868, with internal and published modifications).